The following is an entry in ClinVar:

ClinVar aggregate classification (germline): Uncertain significance (1 of 4 stars; one submission).

Conditions:
Trichothiodystrophy 4, nonphotosensitive. Also called: AMISH BRITTLE HAIR BRAIN SYNDROME; Trichothiodystrophy nonphotosensitive; BIDS SYNDROME; HAIR-BRAIN SYNDROME. Identifiers: MedGen C1313961, MONDO:0021013, OMIM 234050.

gnomAD v4.1: 1 of 1,594,408 alleles (0.000063%); highest among the groups gnomAD compares: Non-Finnish European, 0.000085%; no homozygotes.

Submission:

Baylor Genetics
Classification: Uncertain significance for Trichothiodystrophy 4, nonphotosensitive. Last evaluated: 2020-07-27. Review status: criteria provided, single submitter. Criteria: ACMG Guidelines, 2015. Collection method: clinical testing. Allele origin: unknown. Affected: yes.
Comment: This variant was determined to be of uncertain significance according to ACMG Guidelines, 2015 [PMID:25741868].

NM_138701.4(MPLKIP):c.49G>A (p.Gly17Ser)

Gene: MPLKIP (M-phase specific PLK1 interacting protein; minus strand). Cytogenetic location: 7p14.1.
Variant type: single nucleotide variant.
Coding change: c.49G>A on transcript NM_138701.4 (MANE Select); coding-DNA position 49, G replaced by A.
Protein change: p.Gly17Ser; replaces glycine 17 with serine.
Molecular consequence: missense variant.
Genome position (GRCh38, 1-based): chr7:40,134,519, C>T on the plus strand (G>A on the coding strand, the complement: MPLKIP is on the minus strand). VCF-style: chr7-40134519-C-T. GRCh37 (hg19) VCF-style: chr7-40174118-C-T.
Other names: short protein forms G17S.
Identifiers: ClinVar variation 1031149 (VCV001031149.1), dbSNP rs201269559, ClinGen allele CA367308910.